The following is an entry in ClinVar:

NM_000702.4(ATP1A2):c.846A>T (p.Ile282=)

Gene: ATP1A2 (ATPase Na+/K+ transporting subunit alpha 2; plus strand). Cytogenetic location: 1q23.2.
Variant type: single nucleotide variant.
Coding change: c.846A>T on transcript NM_000702.4 (MANE Select); coding-DNA position 846, A replaced by T.
Protein change: p.Ile282=; no amino-acid change (isoleucine 282 retained).
Molecular consequence: synonymous variant.
Genome position (GRCh38, 1-based): chr1:160,127,649, A>T. VCF-style: chr1-160127649-A-T. GRCh37 (hg19) VCF-style: chr1-160097439-A-T.
Identifiers: ClinVar variation 5000007 (VCV005000007.1).

ClinVar aggregate classification (germline): Likely benign (1 of 4 stars; one submission).

Conditions:
ATP1A2-related disorder. Also called: ATP1A2-related condition; ATP1A2-RELATED DISORDERS.

Submission:

PreventionGenetics, part of Exact Sciences
Classification: Likely benign for ATP1A2-related condition. Last evaluated: 2024-10-30. Review status: criteria provided, single submitter. Criteria: ACMG Guidelines, 2015. Collection method: clinical testing. Allele origin: germline.
Comment: This variant is classified as likely benign based on ACMG/AMP sequence variant interpretation guidelines (Richards et al. 2015 PMID: 25741868, with internal and published modifications).